The following is an entry in ClinVar:

NM_014956.5(CEP164):c.3789G>A (p.Gly1263=)

Gene: CEP164 (centrosomal protein 164; plus strand). Cytogenetic location: 11q23.3.
Variant type: single nucleotide variant.
Coding change: c.3789G>A on transcript NM_014956.5 (MANE Select); coding-DNA position 3789, G replaced by A.
Protein change: p.Gly1263=; no amino-acid change (glycine 1263 retained).
Molecular consequence: synonymous variant.
Genome position (GRCh38, 1-based): chr11:117,409,658, G>A. VCF-style: chr11-117409658-G-A. GRCh37 (hg19) VCF-style: chr11-117280374-G-A.
Other names: c.3774G>A, p.Gly1258= (NM_001271933.2); c.3789G>A (NM_014956.4).
Identifiers: ClinVar variation 2166051 (VCV002166051.5), dbSNP rs770629845, ClinGen allele CA6295585.

ClinVar aggregate classification (germline): Likely benign. Review status: criteria provided, multiple submitters, no conflicts (2 of 4 stars). 2 submissions from 2 submitters: Likely benign (2). Last evaluated 2025-07-30.

Conditions:
Nephronophthisis 15 (NPHP15). Identifiers: Orphanet 3156, MedGen C3541853, MONDO:0013917, OMIM 614845.
CEP164-related disorder. Also called: CEP164-related condition.

Allele frequency attached by ClinVar (database versions not stated): TOPMed below 0.00001; ExAC 0.00001; gnomAD exomes 0.00001.

Submissions (2):

PreventionGenetics, part of Exact Sciences
Classification: Likely benign for CEP164-related condition. Last evaluated: 2025-07-30. Review status: criteria provided, single submitter. Criteria: ACMG Guidelines, 2015. Collection method: clinical testing. Allele origin: germline.
Comment: This variant is classified as likely benign based on ACMG/AMP sequence variant interpretation guidelines (Richards et al. 2015 PMID: 25741868, with internal and published modifications).

Labcorp Genetics (formerly Invitae), Labcorp
Classification: Likely benign for Nephronophthisis 15. Last evaluated: 2023-07-31. Review status: criteria provided, single submitter. Criteria: Invitae Variant Classification Sherloc (09022015). Collection method: clinical testing. Allele origin: germline.